The following is an entry in ClinVar:

NM_005720.4(ARPC1B):c.187G>A (p.Glu63Lys)

Gene: ARPC1B (actin related protein 2/3 complex subunit 1B; plus strand). Cytogenetic location: 7q22.1.
Variant type: single nucleotide variant.
Coding change: c.187G>A on transcript NM_005720.4 (MANE Select); coding-DNA position 187, G replaced by A.
Protein change: p.Glu63Lys; replaces glutamic acid 63 with lysine.
Molecular consequence: missense variant.
Genome position (GRCh38, 1-based): chr7:99,388,056, G>A. VCF-style: chr7-99388056-G-A. GRCh37 (hg19) VCF-style: chr7-98985679-G-A.
Other names: short protein forms E63K.
Identifiers: ClinVar variation 2062865 (VCV002062865.1), dbSNP rs765777936, ClinGen allele CA4363946.

ClinVar aggregate classification (germline): Uncertain significance (1 of 4 stars; one submission).

Allele frequency attached by ClinVar (database versions not stated): ExAC 0.00002; gnomAD 0.00003.
gnomAD v4.1: 19 of 1,604,508 alleles (0.0012%); highest among the groups gnomAD compares: East Asian, 0.031%; no homozygotes.

Submission:

Labcorp Genetics (formerly Invitae), Labcorp
Classification: Uncertain significance. Last evaluated: 2022-08-22. Review status: criteria provided, single submitter. Criteria: Invitae Variant Classification Sherloc (09022015). Collection method: clinical testing. Allele origin: germline.
Comment: This sequence change replaces glutamic acid, which is acidic and polar, with lysine, which is basic and polar, at codon 63 of the ARPC1B protein (p.Glu63Lys). This variant is present in population databases (rs765777936, gnomAD 0.06%). This variant has not been reported in the literature in individuals affected with ARPC1B-related conditions. Algorithms developed to predict the effect of missense changes on protein structure and function (SIFT, PolyPhen-2, Align-GVGD) all suggest that this variant is likely to be tolerated. In summary, the available evidence is currently insufficient to determine the role of this variant in disease. Therefore, it has been classified as a Variant of Uncertain Significance.